The following is an entry in ClinVar:

ClinVar aggregate classification (germline): Uncertain significance. Review status: criteria provided, multiple submitters, no conflicts (2 of 4 stars). 2 submissions from 2 submitters: Uncertain significance (2). Last evaluated 2025-12-13.

Conditions:
Hereditary cancer-predisposing syndrome. Also called: Hereditary Cancer Syndrome; Hereditary neoplastic syndrome; Neoplastic Syndromes, Hereditary; Tumor predisposition. Identifiers: Orphanet 140162, MedGen C0027672, MeSH D009386, MONDO:0015356.

Allele frequency attached by ClinVar (database versions not stated): gnomAD 0.00001; gnomAD exomes 0.00001 and 0.00002; TOPMed 0.00002; ExAC 0.00004.
gnomAD v4.1: 11 of 1,587,158 alleles (0.00069%); highest among the groups gnomAD compares: East Asian, 0.021%; no homozygotes.

Submissions (2):

Labcorp Genetics (formerly Invitae), Labcorp
Classification: Uncertain significance for Hereditary cancer-predisposing syndrome. Last evaluated: 2025-12-13. Review status: criteria provided, single submitter. Criteria: Invitae Variant Classification Sherloc (09022015). Collection method: clinical testing. Allele origin: germline.
Comment: This sequence change replaces lysine, which is basic and polar, with arginine, which is basic and polar, at codon 938 of the RAD50 protein (p.Lys938Arg). This variant is present in population databases (rs771752930, gnomAD 0.04%). This variant has not been reported in the literature in individuals affected with RAD50-related conditions. ClinVar contains an entry for this variant (Variation ID: 216626). Invitae Evidence Modeling of protein sequence and biophysical properties (such as structural, functional, and spatial information, amino acid conservation, physicochemical variation, residue mobility, and thermodynamic stability) indicates that this missense variant is not expected to disrupt RAD50 protein function with a negative predictive value of 80%. In summary, the available evidence is currently insufficient to determine the role of this variant in disease. Therefore, it has been classified as a Variant of Uncertain Significance.

Ambry Genetics
Classification: Uncertain significance for Hereditary cancer-predisposing syndrome. Last evaluated: 2025-06-01. Review status: criteria provided, single submitter. Criteria: Ambry Variant Classification Scheme 2023. Collection method: clinical testing. Allele origin: germline.
Comment: The p.K938R variant (also known as c.2813A>G), located in coding exon 17 of the RAD50 gene, results from an A to G substitution at nucleotide position 2813. The lysine at codon 938 is replaced by arginine, an amino acid with highly similar properties. This amino acid position is well conserved in available vertebrate species. In addition, this alteration is predicted to be tolerated by in silico analysis. Since supporting evidence is limited at this time, the clinical significance of this alteration remains unclear.

NM_005732.4(RAD50):c.2813A>G (p.Lys938Arg)

Gene: RAD50 (RAD50 double strand break repair protein; plus strand). Cytogenetic location: 5q31.1.
Variant type: single nucleotide variant.
Coding change: c.2813A>G on transcript NM_005732.4 (MANE Select); coding-DNA position 2813, A replaced by G.
Protein change: p.Lys938Arg; replaces lysine 938 with arginine.
Molecular consequence: missense variant.
Genome position (GRCh38, 1-based): chr5:132,608,709, A>G. VCF-style: chr5-132608709-A-G. GRCh37 (hg19) VCF-style: chr5-131944401-A-G.
Other names: short protein forms K938R.
Identifiers: ClinVar variation 216626 (VCV000216626.16), dbSNP rs771752930, ClinGen allele CA336748.